The following is an entry in ClinVar:

NM_000152.5(GAA):c.894C>G (p.Tyr298Ter)

Gene: GAA (alpha glucosidase; plus strand). Cytogenetic location: 17q25.3.
Variant type: single nucleotide variant.
Coding change: c.894C>G on transcript NM_000152.5 (MANE Select); coding-DNA position 894, C replaced by G.
Protein change: p.Tyr298Ter; replaces tyrosine 298 with a stop codon.
Molecular consequence: nonsense.
Genome position (GRCh38, 1-based): chr17:80,107,835, C>G. VCF-style: chr17-80107835-C-G. GRCh37 (hg19) VCF-style: chr17-78081634-C-G.
Other names: c.894C>G, p.Tyr298Ter (NM_001079803.3, NM_001079804.3, NM_001406741.1 and 1 more transcripts); short protein forms Y298*.
Identifiers: ClinVar variation 5013934 (VCV005013934.1).

ClinVar aggregate classification (germline): Pathogenic (1 of 4 stars; one submission).

Conditions:
Glycogen storage disease, type II (IOPD). Also called: CARDIOMEGALIA GLYCOGENICA DIFFUSA; GLYCOGENOSIS, GENERALIZED, CARDIAC FORM; GSD II; Glycogen storage disease type 2; Acid maltase deficiency disease; Aglucosidase alfa. Identifiers: Orphanet 365, MedGen C0017921, MONDO:0009290, OMIM 232300.

Submission:

Myriad Genetics, Inc.
Classification: Pathogenic for Glycogen storage disease, type II. Last evaluated: 2025-01-08. Review status: criteria provided, single submitter. Criteria: Myriad Autosomal Dominant, Autosomal Recessive and X-Linked Classification Criteria (2023). Collection method: clinical testing. Allele origin: unknown.
Comment: NM_000152.3(GAA):c.894C>G(Y298*) is expected to be pathogenic in the context of Pompe disease. This variant is predicted to lead to an abnormal or absent protein product due to the creation of a premature termination codon in GAA, a gene where loss-of-function variants are known to be pathogenic. Please note: this variant was assessed in the context of healthy population screening.